The following is an entry in ClinVar:

ClinVar aggregate classification (germline): Uncertain significance. Review status: criteria provided, multiple submitters, no conflicts (2 of 4 stars). 2 submissions from 2 submitters: Uncertain significance (2). Last evaluated 2026-09-01.

Conditions:
Hypophosphatasia. Also called: Phosphoethanol-aminuria. Identifiers: Orphanet 436, MedGen C0020630, MeSH D007014, MONDO:0018570.
Childhood hypophosphatasia. Identifiers: Orphanet 247667, Orphanet 436, MedGen C0220743, MONDO:1010168, OMIM 241510, MONDO:0009428.
Adult hypophosphatasia. Identifiers: Orphanet 247676, Orphanet 436, MedGen C0268413, MONDO:1010154, OMIM 146300, MONDO:0007798.
Infantile hypophosphatasia. Identifiers: Orphanet 247651, Orphanet 436, MedGen C0268412, MONDO:1010169, OMIM 241500, MONDO:0009427.

gnomAD v4.1: 1 of 1,613,934 alleles (0.000062%); highest among the groups gnomAD compares: Non-Finnish European, 0.000085%; no homozygotes.

Submissions (2):

Genomenon, Inc
Classification: Uncertain significance for Hypophosphatasia. Last evaluated: 2026-09-01. Review status: criteria provided, single submitter. Criteria: Genomenon Sequence Variant Interpretation Standards - Updated. Collection method: curation. Allele origin: germline. Affected: yes.
Comment: ALPL p.Lys422Arg (c.1265A>G) is a missense variant that changes the amino acid at codon 422 from Lysine to Arginine. This variant has been observed in at least one proband with an ALPL-related disorder (PMID:32973344). Functional studies have been reported (PMID:32160374). It is absent or not present at a significant frequency in gnomAD. In conclusion, we classify ALPL p.Lys422Arg (c.1265A>G) as a variant of uncertain significance.

Fulgent Genetics
Classification: Uncertain significance for Adult hypophosphatasia; Infantile hypophosphatasia; Childhood hypophosphatasia. Last evaluated: 2024-05-31. Review status: criteria provided, single submitter. Criteria: ACMG Guidelines, 2015. Collection method: clinical testing. Allele origin: germline.

Literature cited by the submitters: PubMed 32973344 (cited by Genomenon, Inc); PubMed 32160374 (cited by Genomenon, Inc).

NM_000478.6(ALPL):c.1265A>G (p.Lys422Arg)

Gene: ALPL (alkaline phosphatase, biomineralization associated; plus strand). Cytogenetic location: 1p36.12.
Variant type: single nucleotide variant.
Coding change: c.1265A>G on transcript NM_000478.6 (MANE Select); coding-DNA position 1265, A replaced by G.
Protein change: p.Lys422Arg; replaces lysine 422 with arginine.
Molecular consequence: missense variant.
Genome position (GRCh38, 1-based): chr1:21,576,597, A>G. VCF-style: chr1-21576597-A-G. GRCh37 (hg19) VCF-style: chr1-21903090-A-G.
Other names: c.1100A>G, p.Lys367Arg (NM_001127501.4); c.1034A>G, p.Lys345Arg (NM_001177520.3); c.1265A>G, p.Lys422Arg (NM_001369803.2, NM_001369804.2, NM_001369805.2); short protein forms K367R, K345R, K422R.
Identifiers: ClinVar variation 3580346 (VCV003580346.2).
Genomic context (GRCh38, chr1:21,576,597, plus strand): 5'-TGAGTGACACAGACAAGAAGCCCTTCACTGCCATCCTGTATGGCAATGGGCCTGGCTACA[A>G]GGTGGTGGGCGGTGAACGAGAGAATGTCTCCATGGTGGACTATGGTGAGACCTCCAGGAC-3'
Protein context (NP_000469.3, residues 412-432): AILYGNGPGY[Lys422Arg]VVGGERENVS